The following is an entry in ClinVar:

ClinVar aggregate classification (germline): Benign. Review status: criteria provided, multiple submitters, no conflicts (2 of 4 stars). 2 submissions from 2 submitters: Benign (2). Last evaluated 2018-06-16.

Allele frequency attached by ClinVar (database versions not stated): gnomAD 0.06692 and 0.06730; gnomAD exomes 0.06039 and 0.04886; TOPMed 0.07176; 1000 Genomes Project 0.09145; ESP Exome Variant Server 0.06405; ExAC 0.06120; 1000 Genomes Project 30x 0.08932.
gnomAD v4.1: 80,755 of 1,574,898 alleles (5.1%); highest among the groups gnomAD compares: East Asian, 12%; 2,522 homozygotes.

Submissions (3):

GeneDx
Classification: Benign. Last evaluated: 2018-06-16. Review status: criteria provided, single submitter. Criteria: GeneDx Variant Classification (06012015). Collection method: clinical testing. Allele origin: germline. Affected: yes.
Comment: This variant is considered likely benign or benign based on one or more of the following criteria: it is a conservative change, it occurs at a poorly conserved position in the protein, it is predicted to be benign by multiple in silico algorithms, and/or has population frequency not consistent with disease.

Breakthrough Genomics
Classification: Benign. Review status: criteria provided, single submitter. Criteria: ACMG Guidelines, 2015. Collection method: not provided. Allele origin: germline. Inheritance: Autosomal dominant inheritance. Affected: yes.

Dr. Peter K. Rogan Lab, Western University
No classification provided (evidence only). Condition: Thymoma. Review status: no classification provided. Collection method: in vitro. Allele origin: not applicable. Functional consequence: retained intron. Not counted in ClinVar's aggregate classification.

NM_017636.4(TRPM4):c.1051-33C>T

Gene: TRPM4 (transient receptor potential cation channel subfamily M member 4; plus strand). Cytogenetic location: 19q13.33.
Variant type: single nucleotide variant.
Coding change: c.1051-33C>T on transcript NM_017636.4 (MANE Select); 33 bases into the intron before coding-DNA position 1051, C replaced by T.
Molecular consequence: intron variant.
Genome position (GRCh38, 1-based): chr19:49,171,976, C>T. VCF-style: chr19-49171976-C-T. GRCh37 (hg19) VCF-style: chr19-49675233-C-T.
Other names: NC_000019.9:g.49675233C>T; c.1051-33C>T (NM_001195227.2); c.-503-33C>T (NM_001321282.2); c.706-33C>T (NM_001321281.2); c.529-33C>T (NM_001321283.2); c.201+207C>T (NM_001321285.2).
Identifiers: ClinVar variation 675420 (VCV000675420.3), dbSNP rs2287923, ClinGen allele CA9569061.